The following is an entry in ClinVar:

NM_052945.4(TNFRSF13C):c.5G>A (p.Arg2Lys)

Genes: TNFRSF13C (TNF receptor superfamily member 13C; minus strand), LOC130067574 (ATAC-STARR-seq lymphoblastoid silent region 13813; plus strand). Cytogenetic location: 22q13.2.
Variant type: single nucleotide variant.
Coding change: c.5G>A on transcript NM_052945.4 (MANE Select); coding-DNA position 5, G replaced by A.
Protein change: p.Arg2Lys; replaces arginine 2 with lysine.
Molecular consequence: missense variant.
Genome position (GRCh38, 1-based): chr22:41,926,769, C>T on the plus strand (G>A on the coding strand, the complement: TNFRSF13C is on the minus strand). VCF-style: chr22-41926769-C-T. GRCh37 (hg19) VCF-style: chr22-42322773-C-T.
Other names: short protein forms R2K.
Identifiers: ClinVar variation 2796343 (VCV002796343.3), dbSNP rs2077635510, ClinGen allele CA411763973.

ClinVar aggregate classification (germline): Uncertain significance (1 of 4 stars; one submission).

Conditions:
Immunodeficiency, common variable, 4. Also called: ANTIBODY DEFICIENCY DUE TO BAFFR DEFECT. Identifiers: Orphanet 1572, Orphanet 696925, MedGen C3150739, MONDO:0013284, OMIM 613494.

Allele frequency attached by ClinVar (database versions not stated): TOPMed below 0.00001.
gnomAD v4.1: 1 of 1,345,892 alleles (0.000074%); highest among the groups gnomAD compares: Non-Finnish European, 0.000095%; no homozygotes.

Submission:

Labcorp Genetics (formerly Invitae), Labcorp
Classification: Uncertain significance for Immunodeficiency, common variable, 4. Last evaluated: 2023-01-12. Review status: criteria provided, single submitter. Criteria: Invitae Variant Classification Sherloc (09022015). Collection method: clinical testing. Allele origin: germline.
Comment: This sequence change replaces arginine, which is basic and polar, with lysine, which is basic and polar, at codon 2 of the TNFRSF13C protein (p.Arg2Lys). This variant is not present in population databases (gnomAD no frequency). This variant has not been reported in the literature in individuals affected with TNFRSF13C-related conditions. Algorithms developed to predict the effect of missense changes on protein structure and function output the following: SIFT: "Tolerated"; PolyPhen-2: "Benign"; Align-GVGD: "Class C0". The lysine amino acid residue is found in multiple mammalian species, which suggests that this missense change does not adversely affect protein function. In summary, the available evidence is currently insufficient to determine the role of this variant in disease. Therefore, it has been classified as a Variant of Uncertain Significance.